The following is an entry in ClinVar:

ClinVar aggregate classification (germline): Uncertain significance (1 of 4 stars; one submission).

gnomAD v4.1: 2 of 1,611,588 alleles (0.00012%); highest among the groups gnomAD compares: Non-Finnish European, 0.000085%; no homozygotes.

Submission:

Labcorp Genetics (formerly Invitae), Labcorp
Classification: Uncertain significance. Last evaluated: 2022-12-07. Review status: criteria provided, single submitter. Criteria: Invitae Variant Classification Sherloc (09022015). Collection method: clinical testing. Allele origin: germline.
Comment: In summary, the available evidence is currently insufficient to determine the role of this variant in disease. Therefore, it has been classified as a Variant of Uncertain Significance. Algorithms developed to predict the effect of missense changes on protein structure and function are either unavailable or do not agree on the potential impact of this missense change (SIFT: "Deleterious"; PolyPhen-2: "Probably Damaging"; Align-GVGD: "Class C0"). This variant has not been reported in the literature in individuals affected with CD81-related conditions. This variant is not present in population databases (gnomAD no frequency). This sequence change replaces isoleucine, which is neutral and non-polar, with methionine, which is neutral and non-polar, at codon 194 of the CD81 protein (p.Ile194Met).

NM_004356.4(CD81):c.582C>G (p.Ile194Met)

Gene: CD81 (CD81 molecule; plus strand). Cytogenetic location: 11p15.5.
Variant type: single nucleotide variant.
Coding change: c.582C>G on transcript NM_004356.4 (MANE Select); coding-DNA position 582, C replaced by G.
Protein change: p.Ile194Met; replaces isoleucine 194 with methionine.
Molecular consequence: missense variant.
Genome position (GRCh38, 1-based): chr11:2,396,648, C>G. VCF-style: chr11-2396648-C-G. GRCh37 (hg19) VCF-style: chr11-2417878-C-G.
Other names: c.369C>G, p.Ile123Met (NM_001297649.2, NM_001425129.1, NM_001425130.1 and 3 more transcripts); c.705C>G, p.Ile235Met (NM_001425135.1); c.579C>G, p.Ile193Met (NM_001425137.1); c.366C>G, p.Ile122Met (NM_001425138.1); short protein forms I123M, I235M, I122M, I193M, I194M.
Identifiers: ClinVar variation 2819001 (VCV002819001.3), dbSNP rs778692912, ClinGen allele CA379125155.
Genomic context (GRCh38, chr11:2,396,648, plus strand): 5'-GGCCCGGTCCCTGACCACGCGTGCCTGGCCACCCCTGCAGGAGGACTGCCACCAGAAGAT[C>G]GATGACCTCTTCTCCGGGAAGCTGTACCTCATCGGCATTGCTGCCATCGTGGTCGCTGTG-3'
Protein context (NP_004347.1, residues 184-204): NLFKEDCHQK[Ile194Met]DDLFSGKLYL